The following is an entry in ClinVar:

NM_001040142.2(SCN2A):c.4268G>A (p.Gly1423Glu)

Gene: SCN2A (sodium voltage-gated channel alpha subunit 2; plus strand). Cytogenetic location: 2q24.3.
Variant type: single nucleotide variant.
Coding change: c.4268G>A on transcript NM_001040142.2 (MANE Select); coding-DNA position 4268, G replaced by A.
Protein change: p.Gly1423Glu; replaces glycine 1423 with glutamic acid.
Molecular consequence: missense variant.
Genome position (GRCh38, 1-based): chr2:165,377,610, G>A. VCF-style: chr2-165377610-G-A. GRCh37 (hg19) VCF-style: chr2-166234120-G-A.
Other names: c.4268G>A, p.Gly1423Glu (NM_001040143.2, NM_001371246.1, NM_001371247.1 and 1 more transcripts); short protein forms G1423E.
Identifiers: ClinVar variation 2945945 (VCV002945945.3), dbSNP rs2468114019, ClinGen allele CA349032973.

ClinVar aggregate classification (germline): Uncertain significance (1 of 4 stars; one submission).

Conditions:
Seizures, benign familial infantile, 3 (BFIS3). Also called: CONVULSIONS, BENIGN FAMILIAL INFANTILE, 3; Familial neonatal seizures. Identifiers: Orphanet 140927, Orphanet 306, MedGen C1843140, MONDO:0011904, OMIM 607745.
Developmental and epileptic encephalopathy, 11 (DEE11). Also called: Early infantile epileptic encephalopathy 11. Identifiers: Orphanet 1934, MedGen C3150987, MONDO:0013388, OMIM 613721.

Submission:

Labcorp Genetics (formerly Invitae), Labcorp
Classification: Uncertain significance for Seizures, benign familial infantile, 3; Developmental and epileptic encephalopathy, 11. Last evaluated: 2023-03-29. Review status: criteria provided, single submitter. Criteria: Invitae Variant Classification Sherloc (09022015). Collection method: clinical testing. Allele origin: germline.
Comment: In summary, the available evidence is currently insufficient to determine the role of this variant in disease. Therefore, it has been classified as a Variant of Uncertain Significance. Advanced modeling of protein sequence and biophysical properties (such as structural, functional, and spatial information, amino acid conservation, physicochemical variation, residue mobility, and thermodynamic stability) performed at Invitae indicates that this missense variant is expected to disrupt SCN2A protein function. This variant has not been reported in the literature in individuals affected with SCN2A-related conditions. This variant is not present in population databases (gnomAD no frequency). This sequence change replaces glycine, which is neutral and non-polar, with glutamic acid, which is acidic and polar, at codon 1423 of the SCN2A protein (p.Gly1423Glu).